The following is an entry in ClinVar:

ClinVar aggregate classification (germline): Conflicting classifications of pathogenicity. Review status: criteria provided, conflicting classifications (1 of 4 stars). 3 submissions from 3 submitters: Likely pathogenic (1); Uncertain significance (2). Last evaluated 2026-07-01.

Conditions:
Glycogen storage disease, type II (IOPD). Also called: CARDIOMEGALIA GLYCOGENICA DIFFUSA; GLYCOGENOSIS, GENERALIZED, CARDIAC FORM; GSD II; Glycogen storage disease type 2; Acid maltase deficiency disease; Aglucosidase alfa. Identifiers: Orphanet 365, MedGen C0017921, MONDO:0009290, OMIM 232300.

Submissions (3):

Genomenon, Inc
Classification: Uncertain significance for Glycogen storage disease, type II. Last evaluated: 2026-07-01. Review status: criteria provided, single submitter. Criteria: Genomenon Sequence Variant Interpretation Standards - Updated. Collection method: curation. Allele origin: germline. Affected: yes.
Comment: GAA p.Asp616Glu (c.1848C>A) is a missense variant that changes the amino acid at codon 616 from Aspartic acid to Glutamic acid. This variant has been observed in at least one proband with a GAA-related disorder (PMID:40225932). The variant is located in a mutational hotspot and/or important functional domain. It is absent or not present at a significant frequency in gnomAD. In conclusion, we classify GAA p.Asp616Glu (c.1848C>A) as a variant of uncertain significance.

Revvity Omics, Revvity
Classification: Uncertain significance. Last evaluated: 2023-11-13. Review status: criteria provided, single submitter. Criteria: ACMG Guidelines, 2015. Collection method: clinical testing. Allele origin: germline.

Labcorp Genetics (formerly Invitae), Labcorp
Classification: Likely pathogenic for Glycogen storage disease, type II. Last evaluated: 2022-08-19. Review status: criteria provided, single submitter. Criteria: Invitae Variant Classification Sherloc (09022015). Collection method: clinical testing. Allele origin: germline.
Comment: This variant disrupts the p.Asp616 amino acid residue in GAA. Other variant(s) that disrupt this residue have been determined to be pathogenic (PMID: 21488246, 22185990, 31086307, 31342611). This suggests that this residue is clinically significant, and that variants that disrupt this residue are likely to be disease-causing. In summary, the currently available evidence indicates that the variant is pathogenic, but additional data are needed to prove that conclusively. Therefore, this variant has been classified as Likely Pathogenic. Advanced modeling of protein sequence and biophysical properties (such as structural, functional, and spatial information, amino acid conservation, physicochemical variation, residue mobility, and thermodynamic stability) performed at Invitae indicates that this missense variant is expected to disrupt GAA protein function. This variant has not been reported in the literature in individuals affected with GAA-related conditions. This variant is not present in population databases (gnomAD no frequency). This sequence change replaces aspartic acid, which is acidic and polar, with glutamic acid, which is acidic and polar, at codon 616 of the GAA protein (p.Asp616Glu).

Literature cited by the submitters: PubMed 40225932 (cited by Genomenon, Inc); PubMed 21488246 (cited by Labcorp Genetics (formerly Invitae), Labcorp); PubMed 22185990 (cited by Labcorp Genetics (formerly Invitae), Labcorp); PubMed 31086307 (cited by Labcorp Genetics (formerly Invitae), Labcorp); PubMed 31342611 (cited by Labcorp Genetics (formerly Invitae), Labcorp).

NM_000152.5(GAA):c.1848C>A (p.Asp616Glu)

Gene: GAA (alpha glucosidase; plus strand). Cytogenetic location: 17q25.3.
Variant type: single nucleotide variant.
Coding change: c.1848C>A on transcript NM_000152.5 (MANE Select); coding-DNA position 1848, C replaced by A.
Protein change: p.Asp616Glu; replaces aspartic acid 616 with glutamic acid.
Molecular consequence: missense variant.
Genome position (GRCh38, 1-based): chr17:80,112,671, C>A. VCF-style: chr17-80112671-C-A. GRCh37 (hg19) VCF-style: chr17-78086470-C-A.
Other names: c.1848C>A, p.Asp616Glu (NM_001079803.3, NM_001079804.3, NM_001406741.1 and 1 more transcripts); short protein forms D616E.
Identifiers: ClinVar variation 1964765 (VCV001964765.7), dbSNP rs377175810, ClinGen allele CA401369615.